The following is an entry in ClinVar:

ClinVar aggregate classification (germline): Uncertain significance (1 of 4 stars; one submission).

Conditions:
Aicardi-Goutieres syndrome 5. Identifiers: Orphanet 51, MedGen C2749659, MONDO:0013059, OMIM 612952.

Submission:

Labcorp Genetics (formerly Invitae), Labcorp
Classification: Uncertain significance for Aicardi-Goutieres syndrome 5. Last evaluated: 2022-09-19. Review status: criteria provided, single submitter. Criteria: Invitae Variant Classification Sherloc (09022015). Collection method: clinical testing. Allele origin: germline.
Comment: In summary, the available evidence is currently insufficient to determine the role of this variant in disease. Therefore, it has been classified as a Variant of Uncertain Significance. This variant has not been reported in the literature in individuals affected with SAMHD1-related conditions. This variant results in a copy number gain of the genomic region encompassing exon(s) 1-15 of the SAMHD1 gene. This region includes the initiator codon of the gene. This copy number gain extends beyond the assayed region for this gene and therefore may encompass additional genes. As the precise location of this event is unknown, it may be in tandem or it may be located elsewhere in the genome.

NC_000020.10:g.(?_35526205)_(35580046_?)dup

Gene: SAMHD1 (SAM and HD domain containing deoxynucleoside triphosphate triphosphohydrolase 1; minus strand). Cytogenetic location: 20q11.23.
Variant type: Duplication.
Identifiers: ClinVar variation 1450622 (VCV001450622.5).